The following is an entry in ClinVar:

ClinVar aggregate classification (germline): Uncertain significance. Review status: criteria provided, multiple submitters, no conflicts (2 of 4 stars). 2 submissions from 2 submitters: Uncertain significance (2). Last evaluated 2025-01-08.

Conditions:
Hereditary cancer-predisposing syndrome. Also called: Hereditary neoplastic syndrome; Tumor predisposition; Neoplastic Syndromes, Hereditary; Hereditary Cancer Syndrome. Identifiers: Orphanet 140162, MedGen C0027672, MeSH D009386, MONDO:0015356.
Tuberous sclerosis 2 (TSC2). Identifiers: Orphanet 805, MedGen C1860707, MONDO:0013199, OMIM 613254.

gnomAD v4.1: 3 of 1,612,624 alleles (0.00019%); highest among the groups gnomAD compares: South Asian, 0.0011%; no homozygotes.

Submissions (2):

Ambry Genetics
Classification: Uncertain significance for Hereditary cancer-predisposing syndrome. Last evaluated: 2025-01-08. Review status: criteria provided, single submitter. Criteria: Ambry Variant Classification Scheme 2023. Collection method: clinical testing. Allele origin: germline.
Comment: The p.E1552G variant (also known as c.4655A>G), located in coding exon 35 of the TSC2 gene, results from an A to G substitution at nucleotide position 4655. The glutamic acid at codon 1552 is replaced by glycine, an amino acid with similar properties. This amino acid position is conserved. In addition, the in silico prediction for this alteration is inconclusive. Based on the available evidence, the clinical significance of this variant remains unclear.

Labcorp Genetics (formerly Invitae), Labcorp
Classification: Uncertain significance for Tuberous sclerosis 2. Last evaluated: 2024-06-17. Review status: criteria provided, single submitter. Criteria: Invitae Variant Classification Sherloc (09022015). Collection method: clinical testing. Allele origin: germline.
Comment: This sequence change replaces glutamic acid, which is acidic and polar, with glycine, which is neutral and non-polar, at codon 1552 of the TSC2 protein (p.Glu1552Gly). This variant is not present in population databases (gnomAD no frequency). This variant has not been reported in the literature in individuals affected with TSC2-related conditions. ClinVar contains an entry for this variant (Variation ID: 1476653). Advanced modeling of protein sequence and biophysical properties (such as structural, functional, and spatial information, amino acid conservation, physicochemical variation, residue mobility, and thermodynamic stability) performed at Invitae indicates that this missense variant is not expected to disrupt TSC2 protein function with a negative predictive value of 95%. This variant disrupts the p.Glu1552 amino acid residue in TSC2. Other variant(s) that disrupt this residue have been determined to be pathogenic (Invitae). This suggests that this residue is clinically significant, and that variants that disrupt this residue are likely to be disease-causing. In summary, the available evidence is currently insufficient to determine the role of this variant in disease. Therefore, it has been classified as a Variant of Uncertain Significance.

NM_000548.5(TSC2):c.4655A>G (p.Glu1552Gly)

Gene: TSC2 (TSC complex subunit 2; plus strand). Cytogenetic location: 16p13.3.
Variant type: single nucleotide variant.
Coding change: c.4655A>G on transcript NM_000548.5 (MANE Select); coding-DNA position 4655, A replaced by G.
Protein change: p.Glu1552Gly; replaces glutamic acid 1552 with glycine.
Molecular consequence: missense variant.
Genome position (GRCh38, 1-based): chr16:2,085,315, A>G. VCF-style: chr16-2085315-A-G. GRCh37 (hg19) VCF-style: chr16-2135316-A-G.
Other names: c.4586A>G, p.Glu1529Gly (NM_001114382.3); c.4346A>G, p.Glu1449Gly (NM_001318827.2); c.4310A>G, p.Glu1437Gly (NM_001318829.2); c.3923A>G, p.Glu1308Gly (NM_001318831.2); c.4487A>G, p.Glu1496Gly (NM_001318832.2); c.4457A>G, p.Glu1486Gly (NM_001363528.2); c.4523A>G, p.Glu1508Gly (NM_001370404.1); c.4526A>G, p.Glu1509Gly (NM_001370405.1, NM_021055.3); and 2 more; short protein forms E1449G, E1509G, E1486G, E1496G, E1552G, E1308G, E1437G, E1508G.
Identifiers: ClinVar variation 1476653 (VCV001476653.9), dbSNP rs2151553694, ClinGen allele CA394305058.